The following is an entry in ClinVar:

ClinVar aggregate classification (germline): Conflicting classifications of pathogenicity. Review status: criteria provided, conflicting classifications (1 of 4 stars). 9 submissions from 8 submitters: Uncertain significance (7); Uncertain risk allele (1); Likely benign (1). Last evaluated 2026-09-15.

Conditions:
Wolfram syndrome 1 (WFS1). Identifiers: Orphanet 3463, MedGen C4551693, MONDO:0009101, OMIM 222300.
WFS1-related disorder. Identifiers: MedGen CN379391, MONDO:0700293.
WFS1-Related Spectrum Disorders.
Autosomal dominant nonsyndromic hearing loss 6 (LFSNHL). Also called: Autosomal dominant nonsyndromic deafness 6; DEAFNESS, AUTOSOMAL DOMINANT 6; DEAFNESS, AUTOSOMAL DOMINANT 14; DEAFNESS, AUTOSOMAL DOMINANT 38. Identifiers: Orphanet 90635, MedGen C1833021, MONDO:0010963, OMIM 600965.

Allele frequency attached by ClinVar (database versions not stated): gnomAD exomes 0.00010; TOPMed 0.00015; ExAC 0.00017; ESP Exome Variant Server 0.00023.
gnomAD v4.1: 234 of 1,608,552 alleles (0.015%); highest among the groups gnomAD compares: African/African-American, 0.032%; 1 homozygote.

Submissions (9):

PreventionGenetics, part of Exact Sciences
Classification: Uncertain significance for WFS1-related condition. Last evaluated: 2026-09-15. Review status: criteria provided, single submitter. Criteria: ACMG Guidelines, 2015. Collection method: clinical testing. Allele origin: germline.
Comment: The WFS1 c.695G>A variant is predicted to result in the amino acid substitution p.Arg232His. To our knowledge, this variant has not been reported in the literature. This variant is reported in 0.025% of alleles in individuals of African descent in gnomAD. At this time, the clinical significance of this variant is uncertain due to the absence of conclusive functional and genetic evidence.

CeGaT Center for Human Genetics Tuebingen
Classification: Uncertain significance. Last evaluated: 2026-01-01. Review status: criteria provided, single submitter. Criteria: CeGaT Center For Human Genetics Tuebingen Variant Classification Criteria Version 2. Collection method: clinical testing. Allele origin: germline. Affected: yes. Observed: 1 variant allele.

Labcorp Genetics (formerly Invitae), Labcorp
Classification: Uncertain significance. Last evaluated: 2025-08-23. Review status: criteria provided, single submitter. Criteria: Invitae Variant Classification Sherloc (09022015). Collection method: clinical testing. Allele origin: germline.
Comment: This sequence change replaces arginine, which is basic and polar, with histidine, which is basic and polar, at codon 232 of the WFS1 protein (p.Arg232His). This variant is present in population databases (rs375904080, gnomAD 0.03%). This variant has not been reported in the literature in individuals affected with WFS1-related conditions. ClinVar contains an entry for this variant (Variation ID: 907358). Invitae Evidence Modeling of protein sequence and biophysical properties (such as structural, functional, and spatial information, amino acid conservation, physicochemical variation, residue mobility, and thermodynamic stability) indicates that this missense variant is not expected to disrupt WFS1 protein function with a negative predictive value of 95%. In summary, the available evidence is currently insufficient to determine the role of this variant in disease. Therefore, it has been classified as a Variant of Uncertain Significance.

GeneDx
Classification: Uncertain significance. Last evaluated: 2025-08-20. Review status: criteria provided, single submitter. Criteria: GeneDx Variant Classification Process June 2021. Collection method: clinical testing. Allele origin: germline. Affected: yes.
Comment: In silico analysis suggests that this missense variant does not alter protein structure/function; Has not been previously published as pathogenic or benign to our knowledge

Women's Health and Genetics/Laboratory Corporation of America, LabCorp
Classification: Uncertain significance. Last evaluated: 2025-07-02. Review status: criteria provided, single submitter. Criteria: LabCorp Variant Classification Summary - May 2015. Collection method: clinical testing. Allele origin: germline.
Comment: Variant summary: WFS1 c.695G>A (p.Arg232His) results in a non-conservative amino acid change in the encoded protein sequence. Algorithms developed to predict the effect of missense changes on protein structure and function all suggest that this variant is likely to be disruptive. The variant allele was found at a frequency of 0.0001 in 238878 control chromosomes. This frequency is not significantly higher than estimated for a pathogenic variant in WFS1 causing Wolfram Syndrome 1, allowing no conclusion about variant significance. To our knowledge, no occurrence of c.695G>A in individuals affected with Wolfram Syndrome 1 and no experimental evidence demonstrating its impact on protein function have been reported. ClinVar contains an entry for this variant (Variation ID: 907358). Based on the evidence outlined above, the variant was classified as uncertain significance.

Blueprint Genetics
Classification: Uncertain significance. Last evaluated: 2024-03-07. Review status: criteria provided, single submitter. Criteria: ACMG Guidelines, 2015. Collection method: clinical testing. Allele origin: germline.

Illumina Laboratory Services, Illumina
Classification: Likely benign for Autosomal dominant nonsyndromic hearing loss 6. Last evaluated: 2018-01-12. Review status: criteria provided, single submitter. Criteria: ICSL Variant Classification Criteria 13 December 2019. Collection method: clinical testing. Allele origin: germline.
Comment: This variant was observed in the ICSL laboratory as part of a predisposition screen in an ostensibly healthy population. It had not been previously curated by ICSL or reported in the Human Gene Mutation Database (HGMD: prior to June 1st, 2018), and was therefore a candidate for classification through an automated scoring system. Utilizing variant allele frequency, disease prevalence and penetrance estimates, and inheritance mode, an automated score was calculated to assess if this variant is too frequent to cause the disease. Based on the score and internal cut-off values, a variant classified as likely benign is not then subjected to further curation. The score for this variant resulted in a classification of likely benign for this disease.

Illumina Laboratory Services, Illumina
Classification: Uncertain significance for WFS1-Related Spectrum Disorders. Last evaluated: 2018-01-12. Review status: criteria provided, single submitter. Criteria: ICSL Variant Classification Criteria 13 December 2019. Collection method: clinical testing. Allele origin: germline.

Clinical Genomics, Uppaluri K&H Personalized Medicine Clinic
Classification: Uncertain risk allele for Wolfram syndrome 1. Review status: criteria provided, single submitter. Criteria: K & H Uppaluri Personalized Medicine Clinic Variant Classification & Assertion Criteria_Updated V.1. Collection method: research. Allele origin: unknown. Inheritance: Autosomal recessive inheritance.
Comment: Potent mutations in WFS1 gene are associated with Wolfram's syndrome, an autosomal recessive condition, which cause diabetes mellitus, diabetes insipidus, deafness and optic atrophy. However no sufficient evidence is found to ascertain the role of this particular variant rs375904080 in Wolfram's syndrome yet.

Literature cited by the submitters: PubMed 20738327 (cited by Clinical Genomics, Uppaluri K&H Personalized Medicine Clinic); PubMed 33879153 (cited by Clinical Genomics, Uppaluri K&H Personalized Medicine Clinic); PubMed 12955714 (cited by Clinical Genomics, Uppaluri K&H Personalized Medicine Clinic); PubMed 18060660 (cited by Clinical Genomics, Uppaluri K&H Personalized Medicine Clinic); PubMed 20301750 (cited by Clinical Genomics, Uppaluri K&H Personalized Medicine Clinic); PubMed 17603484 (cited by Clinical Genomics, Uppaluri K&H Personalized Medicine Clinic).

NM_006005.3(WFS1):c.695G>A (p.Arg232His)

Gene: WFS1 (wolframin ER transmembrane glycoprotein; plus strand). Cytogenetic location: 4p16.1.
Variant type: single nucleotide variant.
Coding change: c.695G>A on transcript NM_006005.3 (MANE Select); coding-DNA position 695, G replaced by A.
Protein change: p.Arg232His; replaces arginine 232 with histidine.
Molecular consequence: missense variant.
Genome position (GRCh38, 1-based): chr4:6,291,980, G>A. VCF-style: chr4-6291980-G-A. GRCh37 (hg19) VCF-style: chr4-6293707-G-A.
Other names: c.695G>A, p.Arg232His (NM_001145853.1); short protein forms R232H.
Identifiers: ClinVar variation 907358 (VCV000907358.22), dbSNP rs375904080, ClinGen allele CA2838997.